The following is an entry in ClinVar:

NM_020884.7(MYH7B):c.5417A>C (p.Glu1806Ala)

Gene: MYH7B (myosin heavy chain 7B; plus strand). Cytogenetic location: 20q11.22.
Variant type: single nucleotide variant.
Coding change: c.5417A>C on transcript NM_020884.7 (MANE Select); coding-DNA position 5417, A replaced by C.
Protein change: p.Glu1806Ala; replaces glutamic acid 1806 with alanine.
Molecular consequence: missense variant.
Genome position (GRCh38, 1-based): chr20:35,001,100, A>C. VCF-style: chr20-35001100-A-C. GRCh37 (hg19) VCF-style: chr20-33588903-A-C.
Other names: short protein forms E1806A.
Identifiers: ClinVar variation 1468547 (VCV001468547.6), dbSNP rs768850319, ClinGen allele CA9828548.

ClinVar aggregate classification (germline): Uncertain significance (1 of 4 stars; one submission).

Allele frequency attached by ClinVar (database versions not stated): gnomAD 0.00001; gnomAD exomes 0.00001 and 0.00002; ExAC 0.00005.
gnomAD v4.1: 17 of 1,613,772 alleles (0.0011%); highest among the groups gnomAD compares: African/African-American, 0.0013%; no homozygotes.

Submission:

Labcorp Genetics (formerly Invitae), Labcorp
Classification: Uncertain significance. Last evaluated: 2024-02-17. Review status: criteria provided, single submitter. Criteria: Invitae Variant Classification Sherloc (09022015). Collection method: clinical testing. Allele origin: germline.
Comment: This sequence change replaces glutamic acid, which is acidic and polar, with alanine, which is neutral and non-polar, at codon 1848 of the MYH7B protein (p.Glu1848Ala). This variant is present in population databases (rs768850319, gnomAD 0.02%). This variant has not been reported in the literature in individuals affected with MYH7B-related conditions. ClinVar contains an entry for this variant (Variation ID: 1468547). Advanced modeling of protein sequence and biophysical properties (such as structural, functional, and spatial information, amino acid conservation, physicochemical variation, residue mobility, and thermodynamic stability) performed at Invitae indicates that this missense variant is expected to disrupt MYH7B protein function with a positive predictive value of 80%. In summary, the available evidence is currently insufficient to determine the role of this variant in disease. Therefore, it has been classified as a Variant of Uncertain Significance.